The following is an entry in ClinVar:

ClinVar aggregate classification (germline): Uncertain significance. Review status: criteria provided, multiple submitters, no conflicts (2 of 4 stars). 4 submissions from 4 submitters: Uncertain significance (4). Last evaluated 2025-07-23.

Conditions:
Hereditary cancer-predisposing syndrome. Also called: Neoplastic Syndromes, Hereditary; Tumor predisposition; Hereditary Cancer Syndrome; Hereditary neoplastic syndrome. Identifiers: Orphanet 140162, MedGen C0027672, MeSH D009386, MONDO:0015356.
Familial adenomatous polyposis 1 (FAP1). Also called: FAMILIAL ADENOMATOUS POLYPOSIS 1, ATTENUATED; POLYPOSIS, ADENOMATOUS INTESTINAL. Identifiers: MedGen C2713442, MONDO:0021056, OMIM 175100. Disease mechanism: loss of function.

Submissions (4):

Color Diagnostics, LLC DBA Color Health
Classification: Uncertain significance for Hereditary cancer-predisposing syndrome. Last evaluated: 2025-07-23. Review status: criteria provided, single submitter. Criteria: ACMG Guidelines, 2015. Collection method: clinical testing. Allele origin: germline.
Comment: This missense variant deletes serine at codon 1276 in exon 16 of the APC protein. To our knowledge, functional studies have not been reported for this variant. This variant has not been reported in individuals affected with APC-related disorders in the literature. This variant has not been identified in the general population by the Genome Aggregation Database (gnomAD). The available evidence is insufficient to determine the role of this variant in disease conclusively. Therefore, this variant is classified as a Variant of Uncertain Significance.

Ambry Genetics
Classification: Uncertain significance for Hereditary cancer-predisposing syndrome. Last evaluated: 2025-02-04. Review status: criteria provided, single submitter. Criteria: Ambry Variant Classification Scheme 2023. Collection method: clinical testing. Allele origin: germline.
Comment: The c.3823_3825delAGT variant (also known as p.S1276del) is located in coding exon 15 of the APC gene. This variant results from an in-frame AGT deletion at nucleotide positions 3823 to 3825. This results in the in-frame deletion of a serine at codon 1276. This amino acid position is highly conserved in available vertebrate species. In addition, this alteration is predicted to be deleterious by in silico analysis (Choi Y et al. PLoS ONE. 2012; 7(10):e46688). Based on the available evidence, the clinical significance of this variant remains unclear.

Labcorp Genetics (formerly Invitae), Labcorp
Classification: Uncertain significance for Familial adenomatous polyposis 1. Last evaluated: 2024-06-04. Review status: criteria provided, single submitter. Criteria: Invitae Variant Classification Sherloc (09022015). Collection method: clinical testing. Allele origin: germline.
Comment: This variant, c.3823_3825del, results in the deletion of 1 amino acid(s) of the APC protein (p.Ser1276del), but otherwise preserves the integrity of the reading frame. This variant is not present in population databases (gnomAD no frequency). This variant has not been reported in the literature in individuals affected with APC-related conditions. ClinVar contains an entry for this variant (Variation ID: 1735281). Experimental studies and prediction algorithms are not available or were not evaluated, and the functional significance of this variant is currently unknown. In summary, the available evidence is currently insufficient to determine the role of this variant in disease. Therefore, it has been classified as a Variant of Uncertain Significance.

Baylor Genetics
Classification: Uncertain significance for Familial adenomatous polyposis 1. Last evaluated: 2024-03-28. Review status: criteria provided, single submitter. Criteria: ACMG Guidelines, 2015. Collection method: clinical testing. Allele origin: unknown.

NM_000038.6(APC):c.3823_3825del (p.Ser1276del)

Gene: APC (APC regulator of Wnt signaling pathway; plus strand). Cytogenetic location: 5q22.2.
Variant type: Deletion.
Coding change: c.3823_3825del on transcript NM_000038.6 (MANE Select); coding-DNA positions 3823 to 3825, 3 bases deleted (AGT; older notation c.3823_3825delAGT).
Protein change: p.Ser1276del; deletes serine 1276.
Molecular consequence: inframe deletion. On other transcripts: inframe indel (20).
Genome position (GRCh38, 1-based): chr5:112,839,417-112,839,419, AGT deleted; deleting any 3 consecutive bases within chr5:112,839,415-112,839,419 gives the same sequence; the c. name uses the placement nearest the transcript's 3' end. VCF-style (leftmost placement, unchanged base first): chr5-112839414-TGTA-T. GRCh37 (hg19) VCF-style: chr5-112175111-TGTA-T.
Other names: c.3823_3825del, p.Ser1276del (NM_001127510.3, NM_001354895.2); c.3769_3771del, p.Ser1258del (NM_001127511.3); c.3877_3879del, p.Ser1294del (NM_001354896.2); c.3853_3855del, p.Ser1286del (NM_001354897.2); c.3748_3750del, p.Ser1251del (NM_001354898.2); c.3739_3741del, p.Ser1248del (NM_001354899.2); c.3700_3702del, p.Ser1235del (NM_001354900.2); c.3646_3648del, p.Ser1217del (NM_001354901.2); and 16 more; short protein forms S1294del, S1116del, S1147del, S1248del, S1276del, S1286del, S1304del, S1185del.
Identifiers: ClinVar variation 1735281 (VCV001735281.8), dbSNP rs2533527292, ClinGen allele CA2580073053.
Genomic context (GRCh38, chr5:112,839,414, plus strand): 5'-ATTAACCAAGAAACAATACAGACTTATTGTGTAGAAGATACTCCAATATGTTTTTCAAGA[TGTA>T]GTTCATTATCATCTTTGTCATCAGCTGAAGATGAAATAGGATGTAATCAGACGACACAGG-3'